The following is an entry in ClinVar:

ClinVar aggregate classification (germline): Uncertain significance (1 of 4 stars; one submission).

Conditions:
Muscle AMP deaminase deficiency (MMDD). Also called: AMPD1 DEFICIENCY; Myoadenylate deaminase deficiency, myopathy due to; Adenosine monophosphate deaminase 1 deficiency; AMP deaminase 1 deficiency; Adenosine Monophosphate Deaminase 1; ADENOSINE MONOPHOSPHATE DEAMINASE-1 DEFICIENCY, MYOPATHY DUE TO. Identifiers: Orphanet 45, MedGen C3714933, MONDO:0014220, OMIM 615511.

Allele frequency attached by ClinVar (database versions not stated): gnomAD exomes below 0.00001.
gnomAD v4.1: 1 of 1,614,148 alleles (0.000062%); highest among the groups gnomAD compares: Non-Finnish European, 0.000085%; no homozygotes.

Submission:

Labcorp Genetics (formerly Invitae), Labcorp
Classification: Uncertain significance for Muscle AMP deaminase deficiency. Last evaluated: 2025-01-27. Review status: criteria provided, single submitter. Criteria: Invitae Variant Classification Sherloc (09022015). Collection method: clinical testing. Allele origin: germline.
Comment: This sequence change replaces proline, which is neutral and non-polar, with leucine, which is neutral and non-polar, at codon 530 of the AMPD1 protein (p.Pro530Leu). This variant is not present in population databases (gnomAD no frequency). This variant has not been reported in the literature in individuals affected with AMPD1-related conditions. ClinVar contains an entry for this variant (Variation ID: 2133902). Invitae Evidence Modeling of protein sequence and biophysical properties (such as structural, functional, and spatial information, amino acid conservation, physicochemical variation, residue mobility, and thermodynamic stability) indicates that this missense variant is not expected to disrupt AMPD1 protein function with a negative predictive value of 80%. In summary, the available evidence is currently insufficient to determine the role of this variant in disease. Therefore, it has been classified as a Variant of Uncertain Significance.

NM_000036.3(AMPD1):c.1490C>T (p.Pro497Leu)

Gene: AMPD1 (adenosine monophosphate deaminase 1; minus strand). Cytogenetic location: 1p13.2.
Variant type: single nucleotide variant.
Coding change: c.1490C>T on transcript NM_000036.3 (MANE Select); coding-DNA position 1490, C replaced by T.
Protein change: p.Pro497Leu; replaces proline 497 with leucine.
Molecular consequence: missense variant.
Genome position (GRCh38, 1-based): chr1:114,675,902, G>A on the plus strand (C>T on the coding strand, the complement: AMPD1 is on the minus strand). VCF-style: chr1-114675902-G-A. GRCh37 (hg19) VCF-style: chr1-115218523-G-A.
Other names: c.1478C>T, p.Pro493Leu (NM_001172626.2); short protein forms P493L, P497L.
Identifiers: ClinVar variation 2133902 (VCV002133902.4), dbSNP rs2526343516, ClinGen allele CA341747790.